The following is an entry in ClinVar:

NM_000447.3(PSEN2):c.205C>G (p.Pro69Ala)

Gene: PSEN2 (presenilin 2; plus strand). Cytogenetic location: 1q42.13.
Variant type: single nucleotide variant.
Coding change: c.205C>G on transcript NM_000447.3 (MANE Select); coding-DNA position 205, C replaced by G.
Protein change: p.Pro69Ala; replaces proline 69 with alanine.
Molecular consequence: missense variant.
Genome position (GRCh38, 1-based): chr1:226,883,768, C>G. VCF-style: chr1-226883768-C-G. GRCh37 (hg19) VCF-style: chr1-227071469-C-G.
Other names: c.205C>G, p.Pro69Ala (NM_012486.3); short protein forms P69A.
Identifiers: ClinVar variation 191771 (VCV000191771.42), dbSNP rs202133351, ClinGen allele CA237503.

ClinVar aggregate classification (germline): Conflicting classifications of pathogenicity. Review status: criteria provided, conflicting classifications (1 of 4 stars). 5 submissions from 5 submitters: Uncertain significance (3); Likely benign (2). Last evaluated 2026-06-01.

Conditions:
Alzheimer disease 4 (AD4). Identifiers: Orphanet 1020, MedGen C1847200, MONDO:0011743, OMIM 606889.
Dilated cardiomyopathy 1V (CMD1V). Identifiers: Orphanet 154, MedGen C3150958, MONDO:0013373, OMIM 613697.

Allele frequency attached by ClinVar (database versions not stated): TOPMed 0.00010.
gnomAD v4.1: 96 of 1,613,966 alleles (0.0059%); highest among the groups gnomAD compares: Non-Finnish European, 0.0069%; no homozygotes.

Submissions (5):

CeGaT Center for Human Genetics Tuebingen
Classification: Uncertain significance. Last evaluated: 2026-06-01. Review status: criteria provided, single submitter. Criteria: CeGaT Center For Human Genetics Tuebingen Variant Classification Criteria Version 2. Collection method: clinical testing. Allele origin: germline. Affected: yes. Observed: 1 variant allele.

Women's Health and Genetics/Laboratory Corporation of America, LabCorp
Classification: Likely benign. Last evaluated: 2026-03-11. Review status: criteria provided, single submitter. Criteria: LabCorp Variant Classification Summary - May 2015. Collection method: clinical testing. Allele origin: germline.
Comment: Variant summary: PSEN2 c.205C>G (p.Pro69Ala) results in a non-conservative amino acid change in the encoded protein sequence. Algorithms developed to predict the effect of missense changes on protein structure and function are either unavailable or do not agree on the potential impact of this missense change. The variant allele was found at a frequency of 9.2e-05 in 251264 control chromosomes. c.205C>G has been observed in an individual(s) affected with Alzheimer Disease without cosegregation information (e.g. Dobricic_2012). These report(s) do not provide unequivocal conclusions about association of the variant with Alzheimer Disease 4. To our knowledge, no experimental evidence demonstrating an impact on protein function has been reported. ClinVar contains an entry for this variant (Variation ID: 191771). Based on the evidence outlined above, the variant was classified as likely benign.

Labcorp Genetics (formerly Invitae), Labcorp
Classification: Likely benign for Alzheimer disease 4. Last evaluated: 2025-10-02. Review status: criteria provided, single submitter. Criteria: Invitae Variant Classification Sherloc (09022015). Collection method: clinical testing. Allele origin: germline.

Fulgent Genetics
Classification: Uncertain significance for Alzheimer disease 4; Dilated cardiomyopathy 1V. Last evaluated: 2018-10-31. Review status: criteria provided, single submitter. Criteria: ACMG Guidelines, 2015. Collection method: clinical testing. Allele origin: unknown.

Biesecker Lab/Clinical Genomics Section, National Institutes of Health
Classification: Uncertain significance. Last evaluated: 2013-06-24. Review status: criteria provided, single submitter. Criteria: Ng et al. (Circ Cardiovasc Genet. 2013). Collection method: research. Allele origin: unknown. Observed: 1 variant allele. Study: ClinSeq.
Comment: The study set was not selected for affection status in relation to any cancer. Pathogenicity categories were based on literature curation. See Pubmed ID:23861362 for details.

Medical sequencing

Literature cited by the submitters: PubMed 22221884 (cited by Women's Health and Genetics/Laboratory Corporation of America, LabCorp).